The following is an entry in ClinVar:

ClinVar aggregate classification (germline): Uncertain significance (1 of 4 stars; one submission).

gnomAD v4.1: 2 of 1,614,072 alleles (0.00012%); highest among the groups gnomAD compares: African/African-American, 0.0027%; no homozygotes.

Submission:

GeneDx
Classification: Uncertain significance. Last evaluated: 2024-11-16. Review status: criteria provided, single submitter. Criteria: GeneDx Variant Classification Process June 2021. Collection method: clinical testing. Allele origin: germline. Affected: yes.
Comment: Not observed at significant frequency in large population cohorts (gnomAD); In silico analysis supports that this missense variant has a deleterious effect on protein structure/function; Has not been previously published as pathogenic or benign to our knowledge

NM_001128840.3(CACNA1D):c.1060A>G (p.Met354Val)

Gene: CACNA1D (calcium voltage-gated channel subunit alpha1 D; plus strand). Cytogenetic location: 3p21.1.
Variant type: single nucleotide variant.
Coding change: c.1060A>G on transcript NM_001128840.3 (MANE Select); coding-DNA position 1060, A replaced by G.
Protein change: p.Met354Val; replaces methionine 354 with valine.
Molecular consequence: missense variant.
Genome position (GRCh38, 1-based): chr3:53,666,479, A>G. VCF-style: chr3-53666479-A-G. GRCh37 (hg19) VCF-style: chr3-53700506-A-G.
Other names: c.1060A>G, p.Met354Val (NM_000720.4, NM_001128839.3); short protein forms M354V.
Identifiers: ClinVar variation 3899789 (VCV003899789.1).